The following is an entry in ClinVar:

NC_000013.11:g.48303685C>G

Genes: RB1 (RB transcriptional corepressor 1; plus strand), RB1-DT (RB1 divergent transcript; minus strand). Cytogenetic location: 13q14.2.
Variant type: single nucleotide variant.
Molecular consequence: non-coding transcript variant (on NR_046414.2).
Genome position: GRCh38 VCF-style: chr13-48303685-C-G. GRCh37 (hg19) VCF-style: chr13-48877821-C-G.
Identifiers: ClinVar variation 2767647 (VCV002767647.3), dbSNP rs1005041971, ClinGen allele CA2089949420.
Genomic context (GRCh38, chr13:48,303,685, plus strand): 5'-CTTAGCGTCCCAGCCCGCGCACCGACCAGCGCCCCAGTTCCCCACAGACGCCGGCGGGCC[C>G]GGGAGCCTCGCGGACGTGACGCCGCGGGCGGAAGTGACGTTTTCCCGCGGTTGGACGCGG-3'

ClinVar aggregate classification (germline): Uncertain significance (1 of 4 stars; one submission).

Conditions:
Retinoblastoma (RB1). Also called: RETINOBLASTOMA, SOMATIC. Identifiers: Orphanet 790, MedGen C0035335, MeSH D012175, MONDO:0008380, OMIM 180200, HP:0009919. Disease mechanism: loss of function. Inheritance: Both sporadic and heritable forms are tested..

Submission:

Labcorp Genetics (formerly Invitae), Labcorp
Classification: Uncertain significance for Retinoblastoma. Last evaluated: 2023-11-18. Review status: criteria provided, single submitter. Criteria: Invitae Variant Classification Sherloc (09022015). Collection method: clinical testing. Allele origin: germline.
Comment: This variant occurs in a non-coding region of the RB1 gene. It does not change the encoded amino acid sequence of the RB1 protein. This variant is not present in population databases (gnomAD no frequency). This variant has not been reported in the literature in individuals affected with RB1-related conditions. Experimental studies and prediction algorithms are not available or were not evaluated, and the functional significance of this variant is currently unknown. In summary, the available evidence is currently insufficient to determine the role of this variant in disease. Therefore, it has been classified as a Variant of Uncertain Significance.